The following is an entry in ClinVar:

ClinVar aggregate classification (germline): Likely benign. Review status: criteria provided, multiple submitters, no conflicts (2 of 4 stars). 3 submissions from 3 submitters: Likely benign (3). Last evaluated 2025-12-23.

Allele frequency attached by ClinVar (database versions not stated): 1000 Genomes Project 30x 0.00016; 1000 Genomes Project 0.00020; TOPMed 0.00087; ESP Exome Variant Server 0.00108; ExAC 0.00112; gnomAD exomes 0.00113 and 0.00132; gnomAD 0.00120 and 0.00123.
gnomAD v4.1: 2,079 of 1,613,614 alleles (0.13%); highest among the groups gnomAD compares: Non-Finnish European, 0.16%; 1 homozygote.

Submissions (3):

Labcorp Genetics (formerly Invitae), Labcorp
Classification: Likely benign. Last evaluated: 2025-12-23. Review status: criteria provided, single submitter. Criteria: Invitae Variant Classification Sherloc (09022015). Collection method: clinical testing. Allele origin: germline.

CeGaT Center for Human Genetics Tuebingen
Classification: Likely benign. Last evaluated: 2025-03-01. Review status: criteria provided, single submitter. Criteria: CeGaT Center For Human Genetics Tuebingen Variant Classification Criteria Version 2. Collection method: clinical testing. Allele origin: germline. Affected: yes. Observed: 6 variant alleles.
Comment: BPTF: BP4, BS1

Blueprint Genetics
Classification: Likely benign. Last evaluated: 2024-11-22. Review status: criteria provided, single submitter. Criteria: ACMG Guidelines, 2015. Collection method: clinical testing. Allele origin: germline.

NM_182641.4(BPTF):c.3644T>C (p.Ile1215Thr)

Gene: BPTF (bromodomain PHD finger transcription factor; plus strand). Cytogenetic location: 17q24.2.
Variant type: single nucleotide variant.
Coding change: c.3644T>C on transcript NM_182641.4 (MANE Select); coding-DNA position 3644, T replaced by C.
Protein change: p.Ile1215Thr; replaces isoleucine 1215 with threonine.
Molecular consequence: missense variant.
Genome position (GRCh38, 1-based): chr17:67,911,528, T>C. VCF-style: chr17-67911528-T-C. GRCh37 (hg19) VCF-style: chr17-65907644-T-C.
Other names: c.4022T>C, p.Ile1341Thr (NM_004459.7); short protein forms I1215T, I1341T.
Identifiers: ClinVar variation 717101 (VCV000717101.33), dbSNP rs139231512, ClinGen allele CA8725668.